The following is an entry in ClinVar:

NM_001371279.1(REEP1):c.537C>T (p.Ser179=)

Gene: REEP1 (receptor accessory protein 1; minus strand). Cytogenetic location: 2p11.2.
Variant type: single nucleotide variant.
Coding change: c.537C>T on transcript NM_001371279.1 (MANE Select); coding-DNA position 537, C replaced by T.
Protein change: p.Ser179=; no amino-acid change (serine 179 retained).
Molecular consequence: synonymous variant. On other transcripts: missense variant (1), intron variant (1).
Genome position (GRCh38, 1-based): chr2:86,232,683, G>A on the plus strand (C>T on the coding strand, the complement: REEP1 is on the minus strand). VCF-style: chr2-86232683-G-A. GRCh37 (hg19) VCF-style: chr2-86459806-G-A.
Other names: c.558C>T, p.Ser186= (NM_001164730.2); c.456C>T, p.Ser152= (NM_001164731.2); c.302C>T, p.Ala101Val (NM_001164732.2); c.537C>T, p.Ser179= (NM_022912.3); c.418-15573C>T (NM_001371280.1); c.537C>T (NM_022912.2); short protein forms A101V.
Identifiers: ClinVar variation 1092988 (VCV001092988.11), dbSNP rs201564869, ClinGen allele CA1748691.
Genomic context (GRCh38, chr2:86,232,683, plus strand): 5'-ACCTGAGCTGCTAGCGCTCTCAGAAGCACTCCTGGACATCTTAGGCTGGCCGTGTTTGCC[G>A]CTGGCCCGCCCAGACCCCGGTGGTGGGGGGCCCGAGGGAGCAGGGGCGCCGTCTCCCCTG-3'
Protein context (NP_001358208.1, residues 169-189): GPPPPGSGRA[Ser179=]GKHGQPKMSR

ClinVar aggregate classification (germline): Conflicting classifications of pathogenicity. Review status: criteria provided, conflicting classifications (1 of 4 stars). 3 submissions from 3 submitters: Uncertain significance (1); Likely benign (2). Last evaluated 2025-01-31.

Conditions:
Hereditary spastic paraplegia 31. Also called: SPASTIC PARAPLEGIA 31, AUTOSOMAL DOMINANT. Identifiers: Orphanet 101011, MedGen C1853247, MONDO:0012453, OMIM 610250.
Neuronopathy, distal hereditary motor, type 5B. Also called: HMN VB; DHMN VB; NEURONOPATHY, DISTAL HEREDITARY MOTOR, HARDING TYPE VB; NEUROPATHY, DISTAL HEREDITARY MOTOR, HARDING TYPE VB; SPINAL MUSCULAR ATROPHY, DISTAL, HARDING TYPE VB. Identifiers: Orphanet 139536, MedGen C3553656, MONDO:0013884, OMIM 614751.
Inborn genetic diseases. Identifiers: MedGen C0950123, MeSH D030342.

Allele frequency attached by ClinVar (database versions not stated): gnomAD 0.00004 and 0.00005; TOPMed 0.00004.
gnomAD v4.1: 25 of 1,612,016 alleles (0.0016%); highest among the groups gnomAD compares: African/African-American, 0.016%; no homozygotes.

Submissions (3):

Ambry Genetics
Classification: Likely benign for Inborn genetic diseases. Last evaluated: 2025-01-31. Review status: criteria provided, single submitter. Criteria: Ambry Variant Classification Scheme 2023. Collection method: clinical testing. Allele origin: germline.

Labcorp Genetics (formerly Invitae), Labcorp
Classification: Likely benign for Hereditary spastic paraplegia 31. Last evaluated: 2024-05-09. Review status: criteria provided, single submitter. Criteria: Invitae Variant Classification Sherloc (09022015). Collection method: clinical testing. Allele origin: germline.

Breda Genetics srl
Classification: Uncertain significance for Hereditary spastic paraplegia 31; Neuronopathy, distal hereditary motor, type 5B. Last evaluated: 2021-05-18. Review status: criteria provided, single submitter. Criteria: ACMG Guidelines, 2015. Collection method: clinical testing. Allele origin: germline. Inheritance: Autosomal dominant inheritance. Affected: yes. Observed: 1 variant allele, 1 heterozygote.
Comment: Based on allele frequency, in-silico prediction scores and a certain overlap with the clinical phenotype, we interpreted this variant at least as of uncertain significance. The lack of one or more of the following features has discouraged further investigations: lack of a possible second hit in autosomal recessive conditions, presence of healthy controls in databases for autosomal dominant conditions, presence of unmatching cardinal clinical features in the patient or in the known gene-disease association, and/or variant type outside the known gene mutational spectrum.